The following is an entry in ClinVar:

ClinVar aggregate classification (germline): Pathogenic (1 of 4 stars; one submission).

Conditions:
Cerebral folate transport deficiency. Also called: Cerebral folate deficiency syndrome; Neurodegenerative syndrome due to cerebral folate transport deficiency; NEURODEGENERATION DUE TO CEREBRAL FOLATE TRANSPORT DEFICIENCY; FOLR1-Related Cerebral Folate Transport Deficiency; FOLATE RECEPTOR DEFICIENCY. Identifiers: Orphanet 217382, MedGen C2751584, MONDO:0013110, OMIM 613068. Disease mechanism: loss of function.

Submission:

Labcorp Genetics (formerly Invitae), Labcorp
Classification: Pathogenic for Cerebral folate transport deficiency. Last evaluated: 2023-10-12. Review status: criteria provided, single submitter. Criteria: Invitae Variant Classification Sherloc (09022015). Collection method: clinical testing. Allele origin: germline.
Comment: This variant is a gross deletion of the genomic region encompassing exon(s) 2 of the FOLR1 gene, which includes the initiator codon. This deletion extends beyond the assayed region for this gene and therefore may encompass additional genes. It is expected to result in an absent or disrupted protein product. Loss-of-function variants in FOLR1 are known to be pathogenic (PMID: 19732866, 22586289). This variant has not been reported in the literature in individuals affected with FOLR1-related conditions. For these reasons, this variant has been classified as Pathogenic.

Literature cited by the submitters: PubMed 19732866; PubMed 22586289.

NC_000011.9:g.(?_71903218)_(71903405_?)del

Gene: FOLR1 (folate receptor alpha; plus strand). Cytogenetic location: 11q13.4.
Variant type: Deletion.
Identifiers: ClinVar variation 1459015 (VCV001459015.6).